The following is an entry in ClinVar:

ClinVar aggregate classification (germline): Uncertain significance (1 of 4 stars; one submission).

Conditions:
Intellectual disability, autosomal recessive 53 (NEDHSCA). Also called: NEURODEVELOPMENTAL DISORDER WITH OR WITHOUT HYPOTONIA, SEIZURES, AND CEREBELLAR ATROPHY; GLYCOSYLPHOSPHATIDYLINOSITOL BIOSYNTHESIS DEFECT 13; Mental retardation, autosomal recessive 53. Identifiers: Orphanet 488635, MedGen C4310794, MONDO:0014832, OMIM 616917.

gnomAD v4.1: 3 of 1,600,730 alleles (0.00019%); highest among the groups gnomAD compares: Admixed American, 0.0033%; no homozygotes.

Submission:

Labcorp Genetics (formerly Invitae), Labcorp
Classification: Uncertain significance for Intellectual disability, autosomal recessive 53. Last evaluated: 2021-12-30. Review status: criteria provided, single submitter. Criteria: Invitae Variant Classification Sherloc (09022015). Collection method: clinical testing. Allele origin: germline.
Comment: This sequence change replaces proline, which is neutral and non-polar, with arginine, which is basic and polar, at codon 44 of the PIGG protein (p.Pro44Arg). This variant is present in population databases (no rsID available, gnomAD 0.006%). This variant has not been reported in the literature in individuals affected with PIGG-related conditions. Algorithms developed to predict the effect of missense changes on protein structure and function (SIFT, PolyPhen-2, Align-GVGD) all suggest that this variant is likely to be tolerated. In summary, the available evidence is currently insufficient to determine the role of this variant in disease. Therefore, it has been classified as a Variant of Uncertain Significance.

NM_001127178.3(PIGG):c.131C>G (p.Pro44Arg)

Gene: PIGG (phosphatidylinositol glycan anchor biosynthesis class G (EMM blood group); plus strand). Cytogenetic location: 4p16.3.
Variant type: single nucleotide variant.
Coding change: c.131C>G on transcript NM_001127178.3 (MANE Select); coding-DNA position 131, C replaced by G.
Protein change: p.Pro44Arg; replaces proline 44 with arginine.
Molecular consequence: missense variant. On other transcripts: 5 prime UTR variant (9), non-coding transcript variant (10), intron variant (1).
Genome position (GRCh38, 1-based): chr4:499,466, C>G. VCF-style: chr4-499466-C-G. GRCh37 (hg19) VCF-style: chr4-493255-C-G.
Other names: c.131C>G, p.Pro44Arg (NM_001289052.2, NM_001345989.2, NM_017733.5); c.-695C>G (NM_001289053.2); c.-306C>G (NM_001289055.2); c.-373C>G (NM_001289057.2, NM_001345986.2, NM_001345987.2); c.-993C>G (NM_001345988.2); c.-1495C>G (NM_001345990.2); c.-1593C>G (NM_001345991.2); c.-1318C>G (NM_001345994.2); and 1 more; short protein forms P44R.
Identifiers: ClinVar variation 2050212 (VCV002050212.1), dbSNP rs1192177850, ClinGen allele CA355889060.
Genomic context (GRCh38, chr4:499,466, plus strand): 5'-TTCGGGGATTCTTCCCGGCTCCCGTTCGTTCCTCTGCCAGAGCGGAACACGGAGCGGAGC[C>G]CCCAGCGCCCGAACCCTCGGCTGGTACGGACCCCTCCCCGGCGTCTCCGCTCCCCTGACC-3'
Protein context (NP_001120650.1, residues 34-54): SSARAEHGAE[Pro44Arg]PAPEPSAGAS